The following is an entry in ClinVar:

NM_007315.4(STAT1):c.1052T>G (p.Leu351Trp)

Gene: STAT1 (signal transducer and activator of transcription 1; minus strand). Cytogenetic location: 2q32.2.
Variant type: single nucleotide variant.
Coding change: c.1052T>G on transcript NM_007315.4 (MANE Select); coding-DNA position 1052, T replaced by G.
Protein change: p.Leu351Trp; replaces leucine 351 with tryptophan.
Molecular consequence: missense variant. On other transcripts: intron variant (1).
Genome position (GRCh38, 1-based): chr2:190,989,660, A>C on the plus strand (T>G on the coding strand, the complement: STAT1 is on the minus strand). VCF-style: chr2-190989660-A-C. GRCh37 (hg19) VCF-style: chr2-191854386-A-C.
Other names: c.1058T>G, p.Leu353Trp (NM_001384881.1, NM_001384884.1); c.1052T>G, p.Leu351Trp (NM_001384882.1, NM_001384886.1, NM_001384888.1 and 2 more transcripts); c.953T>G, p.Leu318Trp (NM_001384883.1); c.893T>G, p.Leu298Trp (NM_001384885.1); c.959T>G, p.Leu320Trp (NM_001384887.1); c.962T>G, p.Leu321Trp (NM_001384890.1); c.1088T>G, p.Leu363Trp (NM_001384891.1); c.1037+1568T>G (NM_001384880.1); short protein forms L351W, L298W, L318W, L320W, L321W, L353W, L363W.
Identifiers: ClinVar variation 570250 (VCV000570250.10), dbSNP rs1559013693, ClinGen allele CA349920027.
Genomic context (GRCh38, chr2:190,989,660, plus strand): 5'-TTAAAGATATCTTACTTATCAAATAAGACTTTGACTTTCAAATTATAATTCAGCTCTTGC[A>C]ATTTCACCAACAGTCTGGAAAGAAAAATAAAAGCCATTACTTAAAAAAAATTATCTGTTA-3'
Protein context (NP_009330.1, residues 341-361): FTVKLRLLVK[Leu351Trp]QELNYNLKVK

ClinVar aggregate classification (germline): Uncertain significance (1 of 4 stars; one submission).

Conditions:
Autoimmune enteropathy and endocrinopathy - susceptibility to chronic infections syndrome. Also called: Immunodeficiency 31C, autosomal dominant; Immunodeficiency 31C. Identifiers: Orphanet 391487, MedGen C3279990, MONDO:0013599, OMIM 614162.
Mendelian susceptibility to mycobacterial diseases due to partial STAT1 deficiency. Also called: IMMUNODEFICIENCY 31A, MYCOBACTERIOSIS, AUTOSOMAL DOMINANT; STAT1 DEFICIENCY, AUTOSOMAL DOMINANT; Immunodeficiency 31a. Identifiers: Orphanet 319595, MedGen C4013950, MONDO:0013956, OMIM 614892.
Immunodeficiency 31B. Also called: IMMUNODEFICIENCY 31B, MYCOBACTERIAL AND VIRAL INFECTIONS, AUTOSOMAL RECESSIVE; STAT1 DEFICIENCY, AUTOSOMAL RECESSIVE. Identifiers: Orphanet 391311, MedGen C3151088, MONDO:0013427, OMIM 613796.

Submission:

Labcorp Genetics (formerly Invitae), Labcorp
Classification: Uncertain significance for Mendelian susceptibility to mycobacterial diseases due to partial STAT1 deficiency; Immunodeficiency 31B; Autoimmune enteropathy and endocrinopathy - susceptibility to chronic infections syndrome. Last evaluated: 2025-09-21. Review status: criteria provided, single submitter. Criteria: Invitae Variant Classification Sherloc (09022015). Collection method: clinical testing. Allele origin: germline.
Comment: This sequence change replaces leucine, which is neutral and non-polar, with tryptophan, which is neutral and slightly polar, at codon 351 of the STAT1 protein (p.Leu351Trp). This variant is not present in population databases (gnomAD no frequency). This variant has not been reported in the literature in individuals affected with STAT1-related conditions. ClinVar contains an entry for this variant (Variation ID: 570250). An algorithm developed to predict the effect of missense changes on protein structure and function (PolyPhen-2) suggests that this variant is likely to be disruptive. In summary, the available evidence is currently insufficient to determine the role of this variant in disease. Therefore, it has been classified as a Variant of Uncertain Significance.